The following is an entry in ClinVar:

NM_001447.3(FAT2):c.3399C>A (p.Asn1133Lys)

Gene: FAT2 (FAT atypical cadherin 2; minus strand). Cytogenetic location: 5q33.1.
Variant type: single nucleotide variant.
Coding change: c.3399C>A on transcript NM_001447.3 (MANE Select); coding-DNA position 3399, C replaced by A.
Protein change: p.Asn1133Lys; replaces asparagine 1133 with lysine.
Molecular consequence: missense variant.
Genome position (GRCh38, 1-based): chr5:151,563,500, G>T on the plus strand (C>A on the coding strand, the complement: FAT2 is on the minus strand). VCF-style: chr5-151563500-G-T. GRCh37 (hg19) VCF-style: chr5-150943061-G-T.
Other names: c.3399C>A (NM_001447.2); short protein forms N1133K.
Identifiers: ClinVar variation 1049970 (VCV001049970.31), dbSNP rs138913417, ClinGen allele CA3521842.

ClinVar aggregate classification (germline): Benign/Likely benign. Review status: criteria provided, multiple submitters, no conflicts (2 of 4 stars). 7 submissions from 7 submitters: Benign (1); Likely benign (2). 4 of the submissions do not count toward it. Last evaluated 2026-06-01.

Conditions:
FAT2-related disorder. Also called: FAT2-related condition.

Allele frequency attached by ClinVar (database versions not stated): ExAC 0.00120; gnomAD exomes 0.00132; ESP Exome Variant Server 0.00246.
gnomAD v4.1: 4,389 of 1,614,152 alleles (0.27%); highest among the groups gnomAD compares: Non-Finnish European, 0.36%; 11 homozygotes.

Submissions (7):

CeGaT Center for Human Genetics Tuebingen
Classification: Benign. Last evaluated: 2026-06-01. Review status: criteria provided, single submitter. Criteria: CeGaT Center For Human Genetics Tuebingen Variant Classification Criteria Version 2. Collection method: clinical testing. Allele origin: germline. Affected: yes. Observed: 6 variant alleles.
Comment: FAT2: PP2, BP4, BS1, BS2

Labcorp Genetics (formerly Invitae), Labcorp
Classification: Likely benign. Last evaluated: 2025-10-01. Review status: criteria provided, single submitter. Criteria: Invitae Variant Classification Sherloc (09022015). Collection method: clinical testing. Allele origin: germline.

Breakthrough Genomics
Classification: Likely benign. Review status: criteria provided, single submitter. Criteria: ACMG Guidelines, 2015. Collection method: not provided. Allele origin: germline. Inheritance: Autosomal dominant inheritance. Affected: yes.

PreventionGenetics, part of Exact Sciences
Classification: Likely benign for FAT2-related condition. Last evaluated: 2019-08-06. Review status: no assertion criteria provided. Collection method: clinical testing. Allele origin: germline. Not counted in ClinVar's aggregate classification.
Comment: This variant is classified as likely benign based on ACMG/AMP sequence variant interpretation guidelines (Richards et al. 2015 PMID: 25741868, with internal and published modifications).

Clinical Genetics DNA and cytogenetics Diagnostics Lab, Erasmus MC, Erasmus Medical Center
Classification: Likely benign. Review status: no assertion criteria provided. Collection method: clinical testing. Allele origin: germline. Affected: yes. Study: VKGL Data-share Consensus. Not counted in ClinVar's aggregate classification.

Department of Pathology and Laboratory Medicine, Sinai Health System
Classification: Benign. Review status: no assertion criteria provided. Collection method: clinical testing. Allele origin: unknown. Affected: yes. Study: The Canadian Open Genetics Repository (COGR). Not counted in ClinVar's aggregate classification.
Comment: The FAT2 p.Asn1133Lys variant was not identified in the literature nor was it identified in ClinVar. The variant was identified in dbSNP (ID: rs138913417) and in control databases in 378 of 282836 chromosomes (2 homozygous) at a frequency of 0.001336 increasing the likelihood this could be a low frequency benign variant (Genome Aggregation Database March 6, 2019, v2.1.1). The variant was observed in the following populations: European (non-Finnish) in 337 of 129162 chromosomes (freq: 0.002609), Other in 8 of 7224 chromosomes (freq: 0.001107), African in 10 of 24968 chromosomes (freq: 0.000401), European (Finnish) in 9 of 25118 chromosomes (freq: 0.000358), Latino in 12 of 35428 chromosomes (freq: 0.000339) and South Asian in 2 of 30616 chromosomes (freq: 0.000065), but was not observed in the Ashkenazi Jewish or East Asian populations. The p.Asn1133 residue is conserved across mammals and other organisms, and computational analyses (PolyPhen-2, SIFT, AlignGVGD, BLOSUM, MutationTaster) suggest that the variant may impact the protein; however, this information is not predictive enough to assume pathogenicity. The variant occurs outside of the splicing consensus sequence and in silico or computational prediction software programs (SpliceSiteFinder, MaxEntScan, NNSPLICE, GeneSplicer) do not predict a difference in splicing. In summary, based on the above information this variant meets our laboratory's criteria to be classified as benign.

Diagnostic Laboratory, Department of Genetics, University Medical Center Groningen
Classification: Likely benign. Review status: no assertion criteria provided. Collection method: clinical testing. Allele origin: germline. Affected: yes. Study: VKGL Data-share Consensus. Not counted in ClinVar's aggregate classification.